The following is an entry in ClinVar:

NM_020937.4(FANCM):c.1132G>A (p.Gly378Arg)

Gene: FANCM (FA complementation group M; plus strand). Cytogenetic location: 14q21.2.
Variant type: single nucleotide variant.
Coding change: c.1132G>A on transcript NM_020937.4 (MANE Select); coding-DNA position 1132, G replaced by A.
Protein change: p.Gly378Arg; replaces glycine 378 with arginine.
Molecular consequence: missense variant.
Genome position (GRCh38, 1-based): chr14:45,154,001, G>A. VCF-style: chr14-45154001-G-A. GRCh37 (hg19) VCF-style: chr14-45623204-G-A.
Other names: c.1054G>A, p.Gly352Arg (NM_001308133.2); c.1132G>A, p.Gly378Arg (NM_001308134.2); short protein forms G352R, G378R.
Identifiers: ClinVar variation 3699010 (VCV003699010.2).

ClinVar aggregate classification (germline): Uncertain significance (1 of 4 stars; one submission).

Conditions:
Fanconi anemia (FA). Also called: Fanconi's anemia. Identifiers: Orphanet 84, MedGen C0015625, MeSH D005199, MONDO:0019391.

Submission:

Labcorp Genetics (formerly Invitae), Labcorp
Classification: Uncertain significance for Fanconi anemia. Last evaluated: 2024-07-20. Review status: criteria provided, single submitter. Criteria: Invitae Variant Classification Sherloc (09022015). Collection method: clinical testing. Allele origin: germline.
Comment: This sequence change replaces glycine, which is neutral and non-polar, with arginine, which is basic and polar, at codon 378 of the FANCM protein (p.Gly378Arg). This variant is not present in population databases (gnomAD no frequency). This missense change has been observed in individual(s) with head and neck carcinoma (PMID: 28678401). An algorithm developed to predict the effect of missense changes on protein structure and function (PolyPhen-2) suggests that this variant is likely to be disruptive. In summary, the available evidence is currently insufficient to determine the role of this variant in disease. Therefore, it has been classified as a Variant of Uncertain Significance.

Literature cited by the submitters: PubMed 28678401.